The following is an entry in ClinVar:

ClinVar aggregate classification (germline): Uncertain significance. Review status: criteria provided, multiple submitters, no conflicts (2 of 4 stars). 2 submissions from 2 submitters: Uncertain significance (2). Last evaluated 2025-03-24.

Conditions:
Neuronopathy, distal hereditary motor, type 7A. Also called: Neuronopathy, distal hereditary motor, type viia; NEURONOPATHY, DISTAL HEREDITARY MOTOR, HARDING TYPE VIIA; NEUROPATHY, DISTAL HEREDITARY MOTOR, HARDING TYPE VIIA; Neuronopathy, distal hereditary motor, autosomal dominant 7; HARPER-YOUNG MYOPATHY; HMN VIIA. Identifiers: Orphanet 139589, MedGen C1834703, MONDO:0008024, OMIM 158580.
Congenital myasthenic syndrome 20. Also called: Myasthenic syndrome, congenital, 20, presynaptic. Identifiers: MedGen C4310694, MONDO:0014939, OMIM 617143.

gnomAD v4.1: 10 of 1,613,956 alleles (0.00062%); highest among the groups gnomAD compares: South Asian, 0.0099%; no homozygotes.

Submissions (2):

Revvity Omics, Revvity
Classification: Uncertain significance. Last evaluated: 2025-03-24. Review status: criteria provided, single submitter. Criteria: ACMG Guidelines, 2015. Collection method: clinical testing. Allele origin: germline.

Labcorp Genetics (formerly Invitae), Labcorp
Classification: Uncertain significance for Neuronopathy, distal hereditary motor, type 7A; Congenital myasthenic syndrome 20. Last evaluated: 2023-06-14. Review status: criteria provided, single submitter. Criteria: Invitae Variant Classification Sherloc (09022015). Collection method: clinical testing. Allele origin: germline.
Comment: This variant is not present in population databases (gnomAD no frequency). In summary, the available evidence is currently insufficient to determine the role of this variant in disease. Therefore, it has been classified as a Variant of Uncertain Significance. Advanced modeling of protein sequence and biophysical properties (such as structural, functional, and spatial information, amino acid conservation, physicochemical variation, residue mobility, and thermodynamic stability) performed at Invitae indicates that this missense variant is not expected to disrupt SLC5A7 protein function. ClinVar contains an entry for this variant (Variation ID: 1929786). This variant has not been reported in the literature in individuals affected with SLC5A7-related conditions. This sequence change replaces serine, which is neutral and polar, with arginine, which is basic and polar, at codon 243 of the SLC5A7 protein (p.Ser243Arg).

NM_021815.5(SLC5A7):c.729T>G (p.Ser243Arg)

Gene: SLC5A7 (solute carrier family 5 member 7; plus strand). Cytogenetic location: 2q12.3.
Variant type: single nucleotide variant.
Coding change: c.729T>G on transcript NM_021815.5 (MANE Select); coding-DNA position 729, T replaced by G.
Protein change: p.Ser243Arg; replaces serine 243 with arginine.
Molecular consequence: missense variant. On other transcripts: 5 prime UTR variant (1).
Genome position (GRCh38, 1-based): chr2:108,002,028, T>G. VCF-style: chr2-108002028-T-G. GRCh37 (hg19) VCF-style: chr2-108618484-T-G.
Other names: c.729T>G, p.Ser243Arg (NM_001305005.3); c.414T>G, p.Ser138Arg (NM_001305006.3); c.-13T>G (NM_001305007.3); short protein forms S138R, S243R.
Identifiers: ClinVar variation 1929786 (VCV001929786.6), dbSNP rs972194774, ClinGen allele CA348112997.
Genomic context (GRCh38, chr2:108,002,028, plus strand): 5'-ATACCAAAAGCCGTGGCTGGGAACTGTTGACTCATCTGAAGTCTACTCTTGGCTTGATAG[T>G]TTTCTGTTGTTGGTAAGTAATGCTCTTACCTGAAGAATGTGATTTAATTGTTCCTGAAAT-3'
Protein context (NP_068587.1, residues 233-253): DSSEVYSWLD[Ser243Arg]FLLLMLGGIP